The following is an entry in ClinVar:

NM_003401.5(XRCC4):c.763G>T (p.Asp255Tyr)

Gene: XRCC4 (X-ray repair cross complementing 4; plus strand). Cytogenetic location: 5q14.2.
Variant type: single nucleotide variant.
Coding change: c.763G>T on transcript NM_003401.5 (MANE Select); coding-DNA position 763, G replaced by T.
Protein change: p.Asp255Tyr; replaces aspartic acid 255 with tyrosine.
Molecular consequence: missense variant.
Genome position (GRCh38, 1-based): chr5:83,258,547, G>T. VCF-style: chr5-83258547-G-T. GRCh37 (hg19) VCF-style: chr5-82554366-G-T.
Other names: c.763G>T, p.Asp255Tyr (NM_001131022.1, NM_001318012.3, NM_001318013.2 and 2 more transcripts); short protein forms D255Y.
Identifiers: ClinVar variation 2104979 (VCV002104979.1), dbSNP rs2480223842, ClinGen allele CA360357275.

ClinVar aggregate classification (germline): Uncertain significance (1 of 4 stars; one submission).

Allele frequency attached by ClinVar (database versions not stated): gnomAD exomes below 0.00001.
gnomAD v4.1: 1 of 1,606,662 alleles (0.000062%); highest among the groups gnomAD compares: Non-Finnish European, 0.000085%; no homozygotes.

Submission:

Labcorp Genetics (formerly Invitae), Labcorp
Classification: Uncertain significance. Last evaluated: 2022-03-01. Review status: criteria provided, single submitter. Criteria: Invitae Variant Classification Sherloc (09022015). Collection method: clinical testing. Allele origin: germline.
Comment: This sequence change replaces aspartic acid, which is acidic and polar, with tyrosine, which is neutral and polar, at codon 255 of the XRCC4 protein (p.Asp255Tyr). This variant is not present in population databases (gnomAD no frequency). This variant has not been reported in the literature in individuals affected with XRCC4-related conditions. Algorithms developed to predict the effect of missense changes on protein structure and function are either unavailable or do not agree on the potential impact of this missense change (SIFT: "Not Available"; PolyPhen-2: "Probably Damaging"; Align-GVGD: "Not Available"). In summary, the available evidence is currently insufficient to determine the role of this variant in disease. Therefore, it has been classified as a Variant of Uncertain Significance.